The following is an entry in ClinVar:

NM_007348.4(ATF6):c.288CTC[1] (p.Ser99del)

Gene: ATF6 (activating transcription factor 6; plus strand). Cytogenetic location: 1q23.3.
Variant type: Microsatellite.
Coding change: c.288CTC[1] on transcript NM_007348.4 (MANE Select); one copy of the 3-base unit CTC starting at c.288; the reference has two copies in a row; one copy, 3 bases deleted.
Protein change: p.Ser99del; deletes serine 99.
Molecular consequence: inframe deletion.
Genome position (GRCh38, 1-based): chr1:161,784,033-161,784,035, CTC deleted; deleting any 3 consecutive bases within chr1:161,784,029-161,784,035 gives the same sequence; the position shown is the placement nearest the transcript's 3' end. VCF-style (leftmost placement, unchanged base first): chr1-161784028-GCCT-G. GRCh37 (hg19) VCF-style: chr1-161753818-GCCT-G.
Other names: c.288CTC[1], p.Ser99del (NM_001410890.1); short protein forms S99del.
Identifiers: ClinVar variation 3618235 (VCV003618235.2).

ClinVar aggregate classification (germline): Uncertain significance (1 of 4 stars; one submission).

Submission:

Labcorp Genetics (formerly Invitae), Labcorp
Classification: Uncertain significance. Last evaluated: 2024-12-03. Review status: criteria provided, single submitter. Criteria: Invitae Variant Classification Sherloc (09022015). Collection method: clinical testing. Allele origin: germline.
Comment: This variant, c.291_293del, results in the deletion of 1 amino acid(s) of the ATF6 protein (p.Ser99del), but otherwise preserves the integrity of the reading frame. This variant is not present in population databases (gnomAD no frequency). This variant has not been reported in the literature in individuals affected with ATF6-related conditions. Experimental studies and prediction algorithms are not available or were not evaluated, and the functional significance of this variant is currently unknown. In summary, the available evidence is currently insufficient to determine the role of this variant in disease. Therefore, it has been classified as a Variant of Uncertain Significance.